The following is an entry in ClinVar:

NM_018127.7(ELAC2):c.1823A>G (p.Lys608Arg)

Gene: ELAC2 (elaC ribonuclease Z 2; minus strand). Cytogenetic location: 17p12.
Variant type: single nucleotide variant.
Coding change: c.1823A>G on transcript NM_018127.7 (MANE Select); coding-DNA position 1823, A replaced by G.
Protein change: p.Lys608Arg; replaces lysine 608 with arginine.
Molecular consequence: missense variant.
Genome position (GRCh38, 1-based): chr17:12,995,048, T>C on the plus strand (A>G on the coding strand, the complement: ELAC2 is on the minus strand). VCF-style: chr17-12995048-T-C. GRCh37 (hg19) VCF-style: chr17-12898365-T-C.
Other names: c.1703A>G, p.Lys568Arg (NM_001165962.2); c.1820A>G, p.Lys607Arg (NM_173717.2); short protein forms K608R, K568R, K607R.
Identifiers: ClinVar variation 1516263 (VCV001516263.4), dbSNP rs2143557076, ClinGen allele CA398223433.

ClinVar aggregate classification (germline): Uncertain significance (1 of 4 stars; one submission).

Conditions:
Combined oxidative phosphorylation defect type 17. Also called: Combined oxidative phosphorylation deficiency 17. Identifiers: Orphanet 369913, MedGen C3809526, MONDO:0014190, OMIM 615440.

Allele frequency attached by ClinVar (database versions not stated): gnomAD exomes 0.00001.
gnomAD v4.1: 6 of 1,614,182 alleles (0.00037%); highest among the groups gnomAD compares: Non-Finnish European, 0.00051%; no homozygotes.

Submission:

Labcorp Genetics (formerly Invitae), Labcorp
Classification: Uncertain significance for Combined oxidative phosphorylation defect type 17. Last evaluated: 2021-08-01. Review status: criteria provided, single submitter. Criteria: Invitae Variant Classification Sherloc (09022015). Collection method: clinical testing. Allele origin: germline.
Comment: Algorithms developed to predict the effect of missense changes on protein structure and function (SIFT, PolyPhen-2, Align-GVGD) all suggest that this variant is likely to be tolerated. This variant has not been reported in the literature in individuals affected with ELAC2-related conditions. This variant is not present in population databases (ExAC no frequency). This sequence change replaces lysine with arginine at codon 608 of the ELAC2 protein (p.Lys608Arg). The lysine residue is moderately conserved and there is a small physicochemical difference between lysine and arginine. Algorithms developed to predict the effect of sequence changes on RNA splicing suggest that this variant may create or strengthen a splice site. In summary, the available evidence is currently insufficient to determine the role of this variant in disease. Therefore, it has been classified as a Variant of Uncertain Significance.